The following is an entry in ClinVar:

NM_000051.4(ATM):c.2953_2954dup (p.Asp985fs)

Gene: ATM (ATM serine/threonine kinase; plus strand). Cytogenetic location: 11q22.3.
Variant type: Duplication.
Coding change: c.2953_2954dup on transcript NM_000051.4 (MANE Select); coding-DNA positions 2953 to 2954, 2 bases duplicated (GA; older notation c.2953_2954dupGA).
Protein change: p.Asp985fs; shifts the reading frame from aspartic acid 985.
Molecular consequence: frameshift variant.
Genome position (GRCh38, 1-based): chr11:108,271,282-108,271,283, GA duplicated; duplicating any 2 consecutive bases within chr11:108,271,281-108,271,283 gives the same sequence; the c. name uses the placement nearest the transcript's 3' end. VCF-style (leftmost placement, unchanged base first): chr11-108271280-A-AAG. GRCh37 (hg19) VCF-style: chr11-108142007-A-AAG.
Other names: c.2953_2954dup, p.Asp985fs (NM_001351834.2); short protein forms D985fs.
Identifiers: ClinVar variation 1457253 (VCV001457253.6), dbSNP rs2135552095, ClinGen allele CA2573146577.
Genomic context (GRCh38, chr11:108,271,280, plus strand): 5'-AAGTTGAACTTTTTTTTTTTTTTTACCACAGCAATGTGTGTTCTTTGTATCGTCGTGACC[A>AAG]AGATGTTTGTAAAACTATTTTAAACCATGTCCTTCATGTAGTGAAAAACCTAGGTCAAAG-3'

ClinVar aggregate classification (germline): Pathogenic (1 of 4 stars; one submission).

Conditions:
Ataxia-telangiectasia syndrome (AT). Also called: Ataxia-telangiectasia, complementation group E; LOUIS-BAR SYNDROME; Ataxia-telangiectasia, complementation group D; AT, COMPLEMENTATION GROUP C; Ataxia-telangiectasia; Cerebello-oculocutaneous telangiectasia. Identifiers: Orphanet 100, MedGen C0004135, MONDO:0008840, OMIM 208900.

Submission:

Labcorp Genetics (formerly Invitae), Labcorp
Classification: Pathogenic for Ataxia-telangiectasia syndrome. Last evaluated: 2022-04-02. Review status: criteria provided, single submitter. Criteria: Invitae Variant Classification Sherloc (09022015). Collection method: clinical testing. Allele origin: germline.
Comment: This variant has not been reported in the literature in individuals affected with ATM-related conditions. For these reasons, this variant has been classified as Pathogenic. This variant is not present in population databases (gnomAD no frequency). This sequence change creates a premature translational stop signal (p.Asp985Glufs*8) in the ATM gene. It is expected to result in an absent or disrupted protein product. Loss-of-function variants in ATM are known to be pathogenic (PMID: 23807571, 25614872).

Literature cited by the submitters: PubMed 23807571; PubMed 25614872.